The following is an entry in ClinVar:

NM_000089.4(COL1A2):c.683C>G (p.Pro228Arg)

Gene: COL1A2 (collagen type I alpha 2 chain; plus strand). Cytogenetic location: 7q21.3.
Variant type: single nucleotide variant.
Coding change: c.683C>G on transcript NM_000089.4 (MANE Select); coding-DNA position 683, C replaced by G.
Protein change: p.Pro228Arg; replaces proline 228 with arginine.
Molecular consequence: missense variant.
Genome position (GRCh38, 1-based): chr7:94,408,226, C>G. VCF-style: chr7-94408226-C-G. GRCh37 (hg19) VCF-style: chr7-94037538-C-G.
Other names: short protein forms P228R.
Identifiers: ClinVar variation 3758888 (VCV003758888.2).

ClinVar aggregate classification (germline): Uncertain significance (1 of 4 stars; one submission).

Conditions:
Ehlers-Danlos syndrome, classic type, 1 (EDSCL1). Also called: EHLERS-DANLOS SYNDROME, GRAVIS TYPE; EHLERS-DANLOS SYNDROME, SEVERE CLASSIC TYPE; Ehlers-Danlos syndrome, type 1; Ehlers-Danlos Syndrome, Classic Type, COL5A1-Related; EDS I. Identifiers: MedGen C0268335, MONDO:0019567, OMIM 130000.
Osteogenesis imperfecta type I (OI1). Also called: OI, TYPE I; OSTEOGENESIS IMPERFECTA TARDA; OSTEOGENESIS IMPERFECTA WITH BLUE SCLERAE; Osteogenesis imperfecta type 1; Lobstein's Disease; Lobstein disease. Identifiers: Orphanet 216796, Orphanet 666, MedGen C0023931, MONDO:0008146, OMIM 166200. Disease mechanism: loss of function.

gnomAD v4.1: 1 of 1,614,206 alleles (0.000062%); highest among the groups gnomAD compares: Non-Finnish European, 0.000085%; no homozygotes.

Submission:

Labcorp Genetics (formerly Invitae), Labcorp
Classification: Uncertain significance for Osteogenesis imperfecta type I; Ehlers-Danlos syndrome, classic type, 1. Last evaluated: 2025-12-02. Review status: criteria provided, single submitter. Criteria: Invitae Variant Classification Sherloc (09022015). Collection method: clinical testing. Allele origin: germline.
Comment: This sequence change replaces proline, which is neutral and non-polar, with arginine, which is basic and polar, at codon 228 of the COL1A2 protein (p.Pro228Arg). This variant is not present in population databases (gnomAD no frequency). This variant has not been reported in the literature in individuals affected with COL1A2-related conditions. ClinVar contains an entry for this variant (Variation ID: 3758888). Invitae Evidence Modeling of protein sequence and biophysical properties (such as structural, functional, and spatial information, amino acid conservation, physicochemical variation, residue mobility, and thermodynamic stability) indicates that this missense variant is not expected to disrupt COL1A2 protein function with a negative predictive value of 95%. In summary, the available evidence is currently insufficient to determine the role of this variant in disease. Therefore, it has been classified as a Variant of Uncertain Significance.